The following is an entry in ClinVar:

NM_000168.6(GLI3):c.3378del (p.Gly1127fs)

Gene: GLI3 (GLI family zinc finger 3; minus strand). Cytogenetic location: 7p14.1.
Variant type: Deletion.
Coding change: c.3378del on transcript NM_000168.6 (MANE Select); coding-DNA position 3378, one base deleted (C; older notation c.3378delC).
Protein change: p.Gly1127fs; shifts the reading frame from glycine 1127.
Molecular consequence: frameshift variant.
Genome position (GRCh38, 1-based): chr7:41,965,695, G deleted on the plus strand (C on the coding strand, the reverse complement: GLI3 is on the minus strand); the first of 3 consecutive G bases (chr7:41,965,695-41,965,697); deleting any one gives the same sequence. VCF-style (leftmost placement, unchanged base first): chr7-41965694-CG-C. GRCh37 (hg19) VCF-style: chr7-42005292-CG-C.
Other names: short protein forms G1127fs.
Identifiers: ClinVar variation 2663535 (VCV002663535.1), dbSNP rs2484373086, ClinGen allele CA2695198481.

ClinVar aggregate classification (germline): Pathogenic (1 of 4 stars; one submission).

Submission:

GeneDx
Classification: Pathogenic. Last evaluated: 2023-10-18. Review status: criteria provided, single submitter. Criteria: GeneDx Variant Classification Process June 2021. Collection method: clinical testing. Allele origin: germline. Affected: yes.
Comment: Frameshift variant predicted to result in protein truncation, as the last 454 amino acids are replaced with 78 different amino acids, and other loss-of-function variants have been reported downstream in HGMD; Not observed at significant frequency in large population cohorts (gnomAD); Has not been previously published as pathogenic or benign to our knowledge